The following is an entry in ClinVar:

NM_153252.5(BRWD3):c.1876+5G>A

Gene: BRWD3 (bromodomain and WD repeat domain containing 3; minus strand). Cytogenetic location: Xq21.1.
Variant type: single nucleotide variant.
Coding change: c.1876+5G>A on transcript NM_153252.5 (MANE Select); 5 bases into the intron after coding-DNA position 1876, G replaced by A.
Molecular consequence: intron variant.
Genome position (GRCh38, 1-based): chrX:80,722,557, C>T on the plus strand (G>A on the coding strand, the complement: BRWD3 is on the minus strand). VCF-style: chrX-80722557-C-T. GRCh37 (hg19) VCF-style: chrX-79978056-C-T.
Identifiers: ClinVar variation 3767544 (VCV003767544.1).

ClinVar aggregate classification (germline): Uncertain significance (1 of 4 stars; one submission).

Submission:

GeneDx
Classification: Uncertain significance. Last evaluated: 2024-09-10. Review status: criteria provided, single submitter. Criteria: GeneDx Variant Classification Process June 2021. Collection method: clinical testing. Allele origin: germline. Affected: yes.
Comment: Not observed at significant frequency in large population cohorts (gnomAD); In silico analysis is inconclusive as to whether the variant alters gene splicing. In the absence of RNA/functional studies, the actual effect of this sequence change is unknown.; Has not been previously published as pathogenic or benign to our knowledge